The following is an entry in ClinVar:

ClinVar aggregate classification (germline): Benign (0 of 4 stars; one submission).

Conditions:
ADAMTS3-related disorder. Also called: ADAMTS3-related condition.

Submission:

PreventionGenetics, part of Exact Sciences
Classification: Benign for ADAMTS3-related condition. Last evaluated: 2019-05-09. Review status: no assertion criteria provided. Collection method: clinical testing. Allele origin: germline.
Comment: This variant is classified as benign based on ACMG/AMP sequence variant interpretation guidelines (Richards et al. 2015 PMID: 25741868, with internal and published modifications).

NM_014243.3(ADAMTS3):c.70-5del

Gene: ADAMTS3 (ADAM metallopeptidase with thrombospondin type 1 motif 3; minus strand). Cytogenetic location: 4q13.3.
Variant type: Deletion.
Coding change: c.70-5del on transcript NM_014243.3 (MANE Select); 5 bases into the intron before coding-DNA position 70, one base deleted (T; older notation c.70-5delT).
Molecular consequence: intron variant.
Genome position (GRCh38, 1-based): chr4:72,567,406, A deleted on the plus strand (T on the coding strand, the reverse complement: ADAMTS3 is on the minus strand); the first of 3 consecutive A bases (chr4:72,567,406-72,567,408); deleting any one gives the same sequence. VCF-style (leftmost placement, unchanged base first): chr4-72567405-GA-G. GRCh37 (hg19) VCF-style: chr4-73433122-GA-G.
Identifiers: ClinVar variation 3059242 (VCV003059242.2), dbSNP rs33925079, ClinGen allele CA2957345.